The following is an entry in ClinVar:

NM_000517.6(HBA2):c.*81G>T

Genes: HBA2 (hemoglobin subunit alpha 2; plus strand), LOC106804612 (hemoglobin subunit alpha 2 recombination region; plus strand). Cytogenetic location: 16p13.3.
Variant type: single nucleotide variant.
Coding change: c.*81G>T on transcript NM_000517.6 (MANE Select); 81 bases downstream of the stop codon, G replaced by T.
Molecular consequence: 3 prime UTR variant.
Genome position (GRCh38, 1-based): chr16:173,681, G>T. VCF-style: chr16-173681-G-T. GRCh37 (hg19) VCF-style: chr16-223680-G-T.
Identifiers: ClinVar variation 3057243 (VCV003057243.2), dbSNP rs559330834, ClinGen allele CA276415708.

ClinVar aggregate classification (germline): Likely benign (0 of 4 stars; one submission).

Conditions:
HBA2-related disorder. Also called: HBA2-related condition.

Allele frequency attached by ClinVar (database versions not stated): TOPMed below 0.00001; gnomAD 0.00001; 1000 Genomes Project 30x 0.00016; 1000 Genomes Project 0.00020.

Submission:

PreventionGenetics, part of Exact Sciences
Classification: Likely benign for HBA2-related condition. Last evaluated: 2019-03-26. Review status: no assertion criteria provided. Collection method: clinical testing. Allele origin: germline.
Comment: This variant is classified as likely benign based on ACMG/AMP sequence variant interpretation guidelines (Richards et al. 2015 PMID: 25741868, with internal and published modifications).